The following is an entry in ClinVar:

ClinVar aggregate classification (germline): Benign. Review status: criteria provided, single submitter (1 of 4 stars). 2 submissions from 2 submitters: Benign (1). 1 of the submissions does not count toward it. Last evaluated 2023-11-01.

Conditions:
MGLL-related disorder. Also called: MGLL-related condition.

Allele frequency attached by ClinVar (database versions not stated): gnomAD exomes 0.00071; gnomAD 0.00072; ESP Exome Variant Server 0.00092; TOPMed 0.00097; ExAC 0.00098.
gnomAD v4.1: 1,286 of 1,614,118 alleles (0.08%); highest among the groups gnomAD compares: Middle Eastern, 0.18%; 5 homozygotes.

Submissions (2):

CeGaT Center for Human Genetics Tuebingen
Classification: Benign. Last evaluated: 2023-11-01. Review status: criteria provided, single submitter. Criteria: CeGaT Center For Human Genetics Tuebingen Variant Classification Criteria Version 2. Collection method: clinical testing. Allele origin: germline. Affected: yes. Observed: 1 variant allele.
Comment: MGLL: BP4, BS1, BS2

PreventionGenetics, part of Exact Sciences
Classification: Benign for MGLL-related condition. Last evaluated: 2020-03-03. Review status: no assertion criteria provided. Collection method: clinical testing. Allele origin: germline. Not counted in ClinVar's aggregate classification.
Comment: This variant is classified as benign based on ACMG/AMP sequence variant interpretation guidelines (Richards et al. 2015 PMID: 25741868, with internal and published modifications).

NM_007283.7(MGLL):c.47C>T (p.Ser16Phe)

Gene: MGLL (monoglyceride lipase; minus strand). Cytogenetic location: 3q21.3.
Variant type: single nucleotide variant.
Coding change: c.47C>T on transcript NM_007283.7 (MANE Select); coding-DNA position 47, C replaced by T.
Protein change: p.Ser16Phe; replaces serine 16 with phenylalanine.
Molecular consequence: missense variant. On other transcripts: 5 prime UTR variant (3).
Genome position (GRCh38, 1-based): chr3:127,821,802, G>A on the plus strand (C>T on the coding strand, the complement: MGLL is on the minus strand). VCF-style: chr3-127821802-G-A. GRCh37 (hg19) VCF-style: chr3-127540645-G-A.
Other names: c.47C>T (NM_007283.6); c.17C>T, p.Ser6Phe (NM_001003794.3, NM_001388313.1, NM_001388314.1 and 1 more transcripts); c.47C>T, p.Ser16Phe (NM_001256585.2, NM_001388312.1); c.-251C>T (NM_001388315.1, NM_001388317.1, NM_001388318.1); short protein forms S16F, S6F.
Identifiers: ClinVar variation 2672955 (VCV002672955.24), dbSNP rs201175620, ClinGen allele CA2597763.